The following is an entry in ClinVar:

NM_000553.6(WRN):c.1366G>A (p.Asp456Asn)

Gene: WRN (WRN RecQ like helicase; plus strand). Cytogenetic location: 8p12.
Variant type: single nucleotide variant.
Coding change: c.1366G>A on transcript NM_000553.6 (MANE Select); coding-DNA position 1366, G replaced by A.
Protein change: p.Asp456Asn; replaces aspartic acid 456 with asparagine.
Molecular consequence: missense variant.
Genome position (GRCh38, 1-based): chr8:31,085,181, G>A. VCF-style: chr8-31085181-G-A. GRCh37 (hg19) VCF-style: chr8-30942697-G-A.
Other names: short protein forms D456N.
Identifiers: ClinVar variation 570795 (VCV000570795.5), dbSNP rs756908250, ClinGen allele CA4704338.
Genomic context (GRCh38, chr8:31,085,181, plus strand): 5'-AAGTCAATTATATTGGAAATTAATGCTTAATACTTTTTTTTAAAGCATTTATCTCCCAAT[G>A]ATAATGAAAACGATACGTCCTATGTAATTGAGAGTGATGAAGATTTAGAAATGGAGATGC-3'
Protein context (NP_000544.2, residues 446-466): MEMLKHLSPN[Asp456Asn]NENDTSYVIE

ClinVar aggregate classification (germline): Uncertain significance (1 of 4 stars; one submission).

Conditions:
Werner syndrome (WRN). Identifiers: Orphanet 902, MedGen C0043119, MONDO:0010196, OMIM 277700.

Allele frequency attached by ClinVar (database versions not stated): ExAC 0.00001.

Submission:

Labcorp Genetics (formerly Invitae), Labcorp
Classification: Uncertain significance for Werner syndrome. Last evaluated: 2022-02-25. Review status: criteria provided, single submitter. Criteria: Invitae Variant Classification Sherloc (09022015). Collection method: clinical testing. Allele origin: germline.
Comment: Algorithms developed to predict the effect of missense changes on protein structure and function output the following: SIFT: "Not Available"; PolyPhen-2: "Benign"; Align-GVGD: "Not Available". The asparagine amino acid residue is found in multiple mammalian species, which suggests that this missense change does not adversely affect protein function. ClinVar contains an entry for this variant (Variation ID: 570795). This variant has not been reported in the literature in individuals affected with WRN-related conditions. This variant is present in population databases (rs756908250, gnomAD 0.0009%). This sequence change replaces aspartic acid, which is acidic and polar, with asparagine, which is neutral and polar, at codon 456 of the WRN protein (p.Asp456Asn). In summary, the available evidence is currently insufficient to determine the role of this variant in disease. Therefore, it has been classified as a Variant of Uncertain Significance.